The following is an entry in ClinVar:

NM_020975.6(RET):c.2096C>G (p.Ser699Cys)

Gene: RET (ret proto-oncogene; plus strand). Cytogenetic location: 10q11.21.
Variant type: single nucleotide variant.
Coding change: c.2096C>G on transcript NM_020975.6 (MANE Select); coding-DNA position 2096, C replaced by G.
Protein change: p.Ser699Cys; replaces serine 699 with cysteine.
Molecular consequence: missense variant.
Genome position (GRCh38, 1-based): chr10:43,114,696, C>G. VCF-style: chr10-43114696-C-G. GRCh37 (hg19) VCF-style: chr10-43610144-C-G.
Other names: c.1334C>G, p.Ser445Cys (NM_001355216.2); c.2096C>G, p.Ser699Cys (NM_001406743.1, NM_001406744.1, NM_001406759.1 and 2 more transcripts); c.1967C>G, p.Ser656Cys (NM_001406761.1, NM_001406762.1, NM_001406764.1); c.1961C>G, p.Ser654Cys (NM_001406763.1, NM_001406765.1); c.1808C>G, p.Ser603Cys (NM_001406766.1, NM_001406767.1, NM_001406770.1); c.1832C>G, p.Ser611Cys (NM_001406768.1); c.1700C>G, p.Ser567Cys (NM_001406769.1, NM_001406772.1); c.1658C>G, p.Ser553Cys (NM_001406771.1, NM_001406773.1); and 10 more; short protein forms S216C, S264C, S304C, S355C, S357C, S360C, S369C, S400C.
Identifiers: ClinVar variation 3387601 (VCV003387601.1).
Genomic context (GRCh38, chr10:43,114,696, plus strand): 5'-CCGCCCAGGCCTTCCCGGTCAGCTACTCCTCTTCCGGTGCCCGCCGGCCCTCGCTGGACT[C>G]CATGGAGAACCAGGTCTCCGTGGATGCCTTCAAGATCCTGGTGAGGGTCCCTGCGGGGCA-3'
Protein context (NP_066124.1, residues 689-709): SSGARRPSLD[Ser699Cys]MENQVSVDAF

ClinVar aggregate classification (germline): Uncertain significance (1 of 4 stars; one submission).

Conditions:
Multiple endocrine neoplasia, type 2 (MEN2). Identifiers: Orphanet 653, MedGen C4048306, MONDO:0019003. Disease mechanism: gain of function.

Submission:

All of Us Research Program, National Institutes of Health
Classification: Uncertain significance for Multiple endocrine neoplasia, type 2. Last evaluated: 2024-08-06. Review status: criteria provided, single submitter. Criteria: ACMG Guidelines, 2015. Collection method: clinical testing. Allele origin: germline. Inheritance: Autosomal dominant inheritance. Observed: 1 variant allele, 1 heterozygote.
Comment: This study involves interpretation of variants in research participants for the purpose of population health screening. Participant phenotype was not available at the time of variant classification. Additional details can be found in publication PMID: 35346344, PMCID: PMC8962531